The following is an entry in ClinVar:

NM_000138.5(FBN1):c.6181T>C (p.Cys2061Arg)

Gene: FBN1 (fibrillin 1; minus strand). Cytogenetic location: 15q21.1.
Variant type: single nucleotide variant.
Coding change: c.6181T>C on transcript NM_000138.5 (MANE Select); coding-DNA position 6181, T replaced by C.
Protein change: p.Cys2061Arg; replaces cysteine 2061 with arginine.
Molecular consequence: missense variant.
Genome position (GRCh38, 1-based): chr15:48,437,900, A>G on the plus strand (T>C on the coding strand, the complement: FBN1 is on the minus strand). VCF-style: chr15-48437900-A-G. GRCh37 (hg19) VCF-style: chr15-48730097-A-G.
Other names: short protein forms C2061R.
Identifiers: ClinVar variation 549333 (VCV000549333.4), dbSNP rs1555395267, ClinGen allele CA392337275.

ClinVar aggregate classification (germline): Pathogenic/Likely pathogenic. Review status: criteria provided, multiple submitters, no conflicts (2 of 4 stars). 3 submissions from 3 submitters: Pathogenic (1); Likely pathogenic (1). 1 of the submissions does not count toward it. Last evaluated 2024-12-15.

Conditions:
Familial thoracic aortic aneurysm and aortic dissection (TAAD). Also called: Thoracic aortic aneurysms and dissections. Identifiers: Orphanet 91387, MedGen C4707243, MONDO:0019625.
Marfan syndrome (MFS). Also called: Marfan syndrome type 1; Marfan syndrome, classic; Marfan's syndrome; FBN1-Related Marfan Syndrome; MARFAN SYNDROME, TYPE I. Identifiers: Orphanet 284963, Orphanet 558, MedGen C0024796, MONDO:0007947, OMIM 154700.

Submissions (3):

Labcorp Genetics (formerly Invitae), Labcorp
Classification: Pathogenic for Marfan syndrome; Familial thoracic aortic aneurysm and aortic dissection. Last evaluated: 2024-12-15. Review status: criteria provided, single submitter. Criteria: Invitae Variant Classification Sherloc (09022015). Collection method: clinical testing. Allele origin: germline.
Comment: This sequence change replaces cysteine, which is neutral and slightly polar, with arginine, which is basic and polar, at codon 2061 of the FBN1 protein (p.Cys2061Arg). This variant is not present in population databases (gnomAD no frequency). This missense change has been observed in individual(s) with Marfan syndrome (PMID: 19293843). ClinVar contains an entry for this variant (Variation ID: 549333). Invitae Evidence Modeling of protein sequence and biophysical properties (such as structural, functional, and spatial information, amino acid conservation, physicochemical variation, residue mobility, and thermodynamic stability) indicates that this missense variant is expected to disrupt FBN1 protein function with a positive predictive value of 95%. This variant affects a cysteine residue in the EGF-like, TGFBP or hybrid motif domains of FBN1. Cysteine residues are believed to be involved in intramolecular disulfide bridges and have been shown to be important for FBN1 protein structure (PMID: 16905551, 19349279). In addition, missense substitutions affecting cysteine residues within these domains are significantly overrepresented among patients with Marfan syndrome (PMID: 16571647, 17701892). For these reasons, this variant has been classified as Pathogenic.

Ambry Genetics
Classification: Likely pathogenic for Familial thoracic aortic aneurysm and aortic dissection. Last evaluated: 2024-11-18. Review status: criteria provided, single submitter. Criteria: Ambry Variant Classification Scheme 2023. Collection method: clinical testing. Allele origin: germline.
Comment: The p.C2061R variant (also known as c.6181T>C), located in coding exon 50 of the FBN1 gene, results from a T to C substitution at nucleotide position 6181. The cysteine at codon 2061 is replaced by arginine, an amino acid with highly dissimilar properties. The majority of FBN1 mutations identified to date have involved the substitution or generation of cysteine residues within cbEGF domains (Vollbrandt T et al. J Biol Chem. 2004;279(31):32924-32931). Internal structural analysis indicates this alteration eliminates a disulfide bond critical for the structural integrity of the TB6 domain (Ambry internal data). This variant was reported in individuals with features consistent with Marfan syndrome (Stheneur C et al. Eur J Hum Genet, 2009 Sep;17:1121-8; Wooderchak-Donahue W et al. Am J Med Genet A, 2015 Aug;167A:1747-57; Ambry internal data). This variant is considered to be rare based on population cohorts in the Genome Aggregation Database (gnomAD). This amino acid position is highly conserved in available vertebrate species. In addition, this alteration is predicted to be deleterious by in silico analysis. Based on the majority of available evidence to date, this variant is likely to be pathogenic.

Center for Medical Genetics Ghent, University of Ghent
Classification: Likely pathogenic for Marfan syndrome. Last evaluated: 2017-11-07. Review status: no assertion criteria provided. Collection method: clinical testing. Allele origin: germline. Affected: yes. Not counted in ClinVar's aggregate classification.

Literature cited by the submitters: PubMed 19293843 (cited by Labcorp Genetics (formerly Invitae), Labcorp and Ambry Genetics); PubMed 16905551 (cited by Labcorp Genetics (formerly Invitae), Labcorp); PubMed 19349279 (cited by Labcorp Genetics (formerly Invitae), Labcorp); PubMed 16571647 (cited by Labcorp Genetics (formerly Invitae), Labcorp); PubMed 17701892 (cited by Labcorp Genetics (formerly Invitae), Labcorp); PubMed 25944730 (cited by Ambry Genetics).